The following is an entry in ClinVar:

ClinVar aggregate classification (germline): Uncertain significance (1 of 4 stars; one submission).

gnomAD v4.1: 4 of 1,613,944 alleles (0.00025%); highest among the groups gnomAD compares: Non-Finnish European, 0.00034%; no homozygotes.

Submission:

Labcorp Genetics (formerly Invitae), Labcorp
Classification: Uncertain significance. Last evaluated: 2025-07-15. Review status: criteria provided, single submitter. Criteria: Invitae Variant Classification Sherloc (09022015). Collection method: clinical testing. Allele origin: germline.
Comment: This sequence change replaces methionine, which is neutral and non-polar, with isoleucine, which is neutral and non-polar, at codon 2947 of the VCAN protein (p.Met2947Ile). This variant is present in population databases (no rsID available, gnomAD 0.007%). This variant has not been reported in the literature in individuals affected with VCAN-related conditions. An algorithm developed to predict the effect of missense changes on protein structure and function outputs the following: PolyPhen-2: "Benign". The isoleucine amino acid residue is found in multiple mammalian species, which suggests that this missense change does not adversely affect protein function. In summary, the available evidence is currently insufficient to determine the role of this variant in disease. Therefore, it has been classified as a Variant of Uncertain Significance.

NM_004385.5(VCAN):c.8841G>A (p.Met2947Ile)

Genes: VCAN-AS1 (VCAN antisense RNA 1; minus strand), VCAN (versican; plus strand). Cytogenetic location: 5q14.3.
Variant type: single nucleotide variant.
Coding change: c.8841G>A on transcript NM_004385.5 (MANE Select); coding-DNA position 8841, G replaced by A.
Protein change: p.Met2947Ile; replaces methionine 2947 with isoleucine.
Molecular consequence: missense variant. On other transcripts: intron variant (2).
Genome position (GRCh38, 1-based): chr5:83,541,844, G>A. VCF-style: chr5-83541844-G-A. GRCh37 (hg19) VCF-style: chr5-82837663-G-A.
Other names: c.5880G>A, p.Met1960Ile (NM_001164097.2); c.4004-3693G>A (NM_001164098.2); c.1043-3693G>A (NM_001126336.3); short protein forms M1960I, M2947I.
Identifiers: ClinVar variation 4804239 (VCV004804239.1).